The following is an entry in ClinVar:

ClinVar aggregate classification (germline): Uncertain significance (1 of 4 stars; one submission).

Conditions:
Kabuki syndrome. Also called: NIIKAWA-KUROKI SYNDROME; Kabuki make-up syndrome. Identifiers: Orphanet 2322, MedGen C0796004, MONDO:0016512.

Submission:

Labcorp Genetics (formerly Invitae), Labcorp
Classification: Uncertain significance for Kabuki syndrome. Last evaluated: 2021-09-21. Review status: criteria provided, single submitter. Criteria: Invitae Variant Classification Sherloc (09022015). Collection method: clinical testing. Allele origin: germline.
Comment: Advanced modeling of protein sequence and biophysical properties (such as structural, functional, and spatial information, amino acid conservation, physicochemical variation, residue mobility, and thermodynamic stability) performed at Invitae indicates that this missense variant is not expected to disrupt KMT2D protein function. In summary, the available evidence is currently insufficient to determine the role of this variant in disease. Therefore, it has been classified as a Variant of Uncertain Significance. This variant has not been reported in the literature in individuals affected with KMT2D-related conditions. This variant is not present in population databases (ExAC no frequency). This sequence change replaces proline with histidine at codon 4454 of the KMT2D protein (p.Pro4454His). The proline residue is weakly conserved and there is a moderate physicochemical difference between proline and histidine.

NM_003482.4(KMT2D):c.13361C>A (p.Pro4454His)

Gene: KMT2D (lysine methyltransferase 2D; minus strand). Cytogenetic location: 12q13.12.
Variant type: single nucleotide variant.
Coding change: c.13361C>A on transcript NM_003482.4 (MANE Select); coding-DNA position 13361, C replaced by A.
Protein change: p.Pro4454His; replaces proline 4454 with histidine.
Molecular consequence: missense variant.
Genome position (GRCh38, 1-based): chr12:49,031,344, G>T on the plus strand (C>A on the coding strand, the complement: KMT2D is on the minus strand). VCF-style: chr12-49031344-G-T. GRCh37 (hg19) VCF-style: chr12-49425127-G-T.
Other names: short protein forms P4454H.
Identifiers: ClinVar variation 1381877 (VCV001381877.6), dbSNP rs778075211, ClinGen allele CA384704870.